The following is an entry in ClinVar:

NM_015874.6(RBPJ):c.1009C>T (p.Pro337Ser)

Gene: RBPJ (recombination signal binding protein for immunoglobulin kappa J region; plus strand). Cytogenetic location: 4p15.2.
Variant type: single nucleotide variant.
Coding change: c.1009C>T on transcript NM_015874.6 (MANE Select); coding-DNA position 1009, C replaced by T.
Protein change: p.Pro337Ser; replaces proline 337 with serine.
Molecular consequence: missense variant. On other transcripts: intron variant (2).
Genome position (GRCh38, 1-based): chr4:26,430,018, C>T. VCF-style: chr4-26430018-C-T. GRCh37 (hg19) VCF-style: chr4-26431640-C-T.
Other names: c.943C>T, p.Pro315Ser (NM_203283.5, NM_001363577.2); c.1006C>T, p.Pro336Ser (NM_203284.3, NM_001374401.1, NM_001374402.1 and 3 more transcripts); c.928-401C>T (NM_001379408.1); c.883-401C>T (NM_001379409.1); c.1048C>T, p.Pro350Ser (NM_001374400.1, NM_005349.4); short protein forms P315S, P337S, P350S, P336S.
Identifiers: ClinVar variation 3696402 (VCV003696402.2).

ClinVar aggregate classification (germline): Uncertain significance (1 of 4 stars; one submission).

gnomAD v4.1: 5 of 1,613,942 alleles (0.00031%); highest among the groups gnomAD compares: Non-Finnish European, 0.00042%; no homozygotes.

Submission:

Labcorp Genetics (formerly Invitae), Labcorp
Classification: Uncertain significance. Last evaluated: 2024-06-25. Review status: criteria provided, single submitter. Criteria: Invitae Variant Classification Sherloc (09022015). Collection method: clinical testing. Allele origin: germline.
Comment: This sequence change replaces proline, which is neutral and non-polar, with serine, which is neutral and polar, at codon 350 of the RBPJ protein (p.Pro350Ser). This variant is not present in population databases (gnomAD no frequency). This variant has not been reported in the literature in individuals affected with RBPJ-related conditions. Advanced modeling of protein sequence and biophysical properties (such as structural, functional, and spatial information, amino acid conservation, physicochemical variation, residue mobility, and thermodynamic stability) performed at Invitae indicates that this missense variant is not expected to disrupt RBPJ protein function with a negative predictive value of 80%. In summary, the available evidence is currently insufficient to determine the role of this variant in disease. Therefore, it has been classified as a Variant of Uncertain Significance.